The following is an entry in ClinVar:

NM_018668.5(VPS33B):c.558_559del (p.Tyr187fs)

Gene: VPS33B (VPS33B late endosome and lysosome associated; minus strand). Cytogenetic location: 15q26.1.
Variant type: Microsatellite.
Coding change: c.558_559del on transcript NM_018668.5 (MANE Select); coding-DNA positions 558 to 559, 2 bases deleted (CT; older notation c.558_559delCT).
Protein change: p.Tyr187fs; shifts the reading frame from tyrosine 187.
Molecular consequence: frameshift variant.
Genome position (GRCh38, 1-based): chr15:91,007,513-91,007,514, AG deleted on the plus strand (CT on the coding strand, the reverse complement: VPS33B is on the minus strand); deleting any 2 consecutive bases within chr15:91,007,513-91,007,518 gives the same sequence; the c. name uses the placement nearest the transcript's 3' end. VCF-style (leftmost placement, unchanged base first): chr15-91007512-TAG-T. GRCh37 (hg19) VCF-style: chr15-91550742-TAG-T.
Other names: c.477_478del, p.Tyr160fs (NM_001289148.1); c.285_286del, p.Tyr96fs (NM_001289149.1); short protein forms Y96fs, Y160fs, Y187fs.
Identifiers: ClinVar variation 627537 (VCV000627537.2), dbSNP rs1596358564, ClinGen allele CA915946132.

ClinVar aggregate classification (germline): Likely pathogenic (1 of 4 stars; one submission).

Conditions:
Arthrogryposis, renal dysfunction, and cholestasis 1 (ARCS1). Identifiers: Orphanet 2697, MedGen C1859722, MONDO:0008822, OMIM 208085.

Submission:

Department of Medical Genetics, Sanjay Gandhi Post Graduate Institute of Medical Sciences
Classification: Likely pathogenic for Arthrogryposis, renal dysfunction, and cholestasis 1. Review status: criteria provided, single submitter. Criteria: ACMG Guidelines, 2015. Collection method: clinical testing. Allele origin: inherited. Inheritance: Autosomal recessive inheritance. Affected: yes. Observed: 1 homozygote.
Comment: Analysis of the data showed a novel homozygous sequence variant in VPS33B gene. It is predicted as pathogenic by MutationTaster. This variant is classified as likely pathogenic which shows strong evidence of pathogenicity according to ACMG guidelines (Richards et al., 2015). This variant is not found in ExAC and 1000 Genome databases.